The following is an entry in ClinVar:

NM_000548.5(TSC2):c.2298G>C (p.Val766=)

Gene: TSC2 (TSC complex subunit 2; plus strand). Cytogenetic location: 16p13.3.
Variant type: single nucleotide variant.
Coding change: c.2298G>C on transcript NM_000548.5 (MANE Select); coding-DNA position 2298, G replaced by C.
Protein change: p.Val766=; no amino-acid change (valine 766 retained).
Molecular consequence: synonymous variant.
Genome position (GRCh38, 1-based): chr16:2,072,926, G>C. VCF-style: chr16-2072926-G-C. GRCh37 (hg19) VCF-style: chr16-2122927-G-C.
Other names: c.2298G>C, p.Val766= (NM_001077183.3, NM_001114382.3, NM_001363528.2 and 3 more transcripts); c.2187G>C, p.Val729= (NM_001318827.2); c.2151G>C, p.Val717= (NM_001318829.2); c.1698G>C, p.Val566= (NM_001318831.2); c.2331G>C, p.Val777= (NM_001318832.2).
Identifiers: ClinVar variation 701082 (VCV000701082.20), dbSNP rs1157138703, ClinGen allele CA492952675.
Genomic context (GRCh38, chr16:2,072,926, plus strand): 5'-ACTGGAGCGGCTCCGAGGCGCCCCAGAAGGCTTCTCCAGAACTGACTTGCACCTGGCCGT[G>C]GTTCCAGTGCTGACAGCATTAATCTCTTACCATAACTACCTGGACAAAACCAAACAGGTA-3'
Protein context (NP_000539.2, residues 756-776): GFSRTDLHLA[Val766=]VPVLTALISY

ClinVar aggregate classification (germline): Benign/Likely benign. Review status: criteria provided, multiple submitters, no conflicts (2 of 4 stars). 6 submissions from 6 submitters: Benign (2); Likely benign (4). Last evaluated 2025-11-17.

Conditions:
Tuberous sclerosis 2 (TSC2). Identifiers: Orphanet 805, MedGen C1860707, MONDO:0013199, OMIM 613254.
Tuberous sclerosis syndrome (TSC). Also called: Tuberous Sclerosis Complex; Tuberous sclerosis. Identifiers: Orphanet 805, MedGen C0041341, MONDO:0001734.
Hereditary cancer-predisposing syndrome. Also called: Neoplastic Syndromes, Hereditary; Hereditary neoplastic syndrome; Hereditary Cancer Syndrome; Tumor predisposition. Identifiers: Orphanet 140162, MedGen C0027672, MeSH D009386, MONDO:0015356.

Allele frequency attached by ClinVar (database versions not stated): gnomAD exomes below 0.00001; gnomAD 0.00001; TOPMed 0.00001.
gnomAD v4.1: 5 of 1,613,534 alleles (0.00031%); highest among the groups gnomAD compares: Middle Eastern, 0.066%; no homozygotes.

Submissions (6):

Labcorp Genetics (formerly Invitae), Labcorp
Classification: Likely benign for Tuberous sclerosis 2. Last evaluated: 2025-11-17. Review status: criteria provided, single submitter. Criteria: Invitae Variant Classification Sherloc (09022015). Collection method: clinical testing. Allele origin: germline.

Myriad Genetics, Inc.
Classification: Benign for Tuberous sclerosis 2. Last evaluated: 2025-05-19. Review status: criteria provided, single submitter. Criteria: Myriad Autosomal Dominant, Autosomal Recessive and X-Linked Classification Criteria (2023). Collection method: clinical testing. Allele origin: unknown.
Comment: This variant is considered benign. This variant is a silent/synonymous amino acid change and it is not expected to impact splicing.

All of Us Research Program, National Institutes of Health
Classification: Likely benign for Tuberous sclerosis syndrome. Last evaluated: 2024-07-29. Review status: criteria provided, single submitter. Criteria: ACMG Guidelines, 2015. Collection method: clinical testing. Allele origin: germline. Inheritance: Autosomal dominant inheritance. Observed: 5 variant alleles, 5 heterozygotes.
Comment: This study involves interpretation of variants in research participants for the purpose of population health screening. Participant phenotype was not available at the time of variant classification. Additional details can be found in publication PMID: 35346344, PMCID: PMC8962531

Blueprint Genetics
Classification: Likely benign. Last evaluated: 2023-02-09. Review status: criteria provided, single submitter. Criteria: ACMG Guidelines, 2015. Collection method: clinical testing. Allele origin: germline.

Genome-Nilou Lab
Classification: Benign for Tuberous sclerosis 2. Last evaluated: 2021-11-07. Review status: criteria provided, single submitter. Criteria: ACMG Guidelines, 2015. Collection method: clinical testing. Allele origin: germline. Affected: no.

Ambry Genetics
Classification: Likely benign for Hereditary cancer-predisposing syndrome. Last evaluated: 2018-12-07. Review status: criteria provided, single submitter. Criteria: Ambry Variant Classification Scheme 2023. Collection method: clinical testing. Allele origin: germline.